The following is an entry in ClinVar:

NM_002184.4(IL6ST):c.1973C>T (p.Pro658Leu)

Gene: IL6ST (interleukin 6 cytokine family signal transducer; minus strand). Cytogenetic location: 5q11.2.
Variant type: single nucleotide variant.
Coding change: c.1973C>T on transcript NM_002184.4 (MANE Select); coding-DNA position 1973, C replaced by T.
Protein change: p.Pro658Leu; replaces proline 658 with leucine.
Molecular consequence: missense variant. On other transcripts: 3 prime UTR variant (1), non-coding transcript variant (2).
Genome position (GRCh38, 1-based): chr5:55,942,716, G>A on the plus strand (C>T on the coding strand, the complement: IL6ST is on the minus strand). VCF-style: chr5-55942716-G-A. GRCh37 (hg19) VCF-style: chr5-55238544-G-A.
Other names: c.1790C>T, p.Pro597Leu (NM_001190981.2); c.1871C>T, p.Pro624Leu (NM_001364275.2); c.1763C>T, p.Pro588Leu (NM_001364276.2); c.1106C>T, p.Pro369Leu (NM_001364277.2); c.1070C>T, p.Pro357Leu (NM_001364278.2); c.977C>T, p.Pro326Leu (NM_001364279.2); c.*900C>T (NM_175767.3); short protein forms P597L, P326L, P357L, P658L, P588L, P624L, P369L.
Identifiers: ClinVar variation 4710100 (VCV004710100.1).

ClinVar aggregate classification (germline): Uncertain significance (1 of 4 stars; one submission).

Submission:

Labcorp Genetics (formerly Invitae), Labcorp
Classification: Uncertain significance. Last evaluated: 2025-12-01. Review status: criteria provided, single submitter. Criteria: Invitae Variant Classification Sherloc (09022015). Collection method: clinical testing. Allele origin: germline.
Comment: This sequence change replaces proline, which is neutral and non-polar, with leucine, which is neutral and non-polar, at codon 658 of the IL6ST protein (p.Pro658Leu). This variant is not present in population databases (gnomAD no frequency). This variant has not been reported in the literature in individuals affected with IL6ST-related conditions. An algorithm developed to predict the effect of missense changes on protein structure and function (PolyPhen-2) suggests that this variant is likely to be disruptive. In summary, the available evidence is currently insufficient to determine the role of this variant in disease. Therefore, it has been classified as a Variant of Uncertain Significance.